The following is an entry in ClinVar:

ClinVar aggregate classification (germline): Uncertain significance. Review status: criteria provided, multiple submitters, no conflicts (2 of 4 stars). 2 submissions from 2 submitters: Uncertain significance (2). Last evaluated 2026-07-22.

Conditions:
SLC37A4-related disorder. Also called: SLC37A4-related condition.
Glucose-6-phosphate transport defect (GSD1B). Also called: Glycogen Storage Disease Type Ib; GSD Ib. Identifiers: Orphanet 364, Orphanet 79259, MedGen C0268146, MONDO:0009288, OMIM 232220.

Allele frequency attached by ClinVar (database versions not stated): gnomAD 0.00003; gnomAD exomes 0.00004; ExAC 0.00008; 1000 Genomes Project 30x 0.00016; 1000 Genomes Project 0.00020.

Submissions (2):

PreventionGenetics, part of Exact Sciences
Classification: Uncertain significance for SLC37A4-related condition. Last evaluated: 2026-07-22. Review status: criteria provided, single submitter. Criteria: ACMG Guidelines, 2015. Collection method: clinical testing. Allele origin: germline.
Comment: The SLC37A4 c.1072C>T variant is predicted to result in the amino acid substitution p.Pro358Ser. To our knowledge, this variant has not been reported in the literature. This variant is reported in 0.059% of alleles in individuals of South Asian descent in gnomAD. At this time, the clinical significance of this variant is uncertain due to the absence of conclusive functional and genetic evidence.

Labcorp Genetics (formerly Invitae), Labcorp
Classification: Uncertain significance for Glucose-6-phosphate transport defect. Last evaluated: 2022-06-05. Review status: criteria provided, single submitter. Criteria: Invitae Variant Classification Sherloc (09022015). Collection method: clinical testing. Allele origin: germline.
Comment: This sequence change replaces proline, which is neutral and non-polar, with serine, which is neutral and polar, at codon 358 of the SLC37A4 protein (p.Pro358Ser). This variant is present in population databases (rs533783569, gnomAD 0.06%). This variant has not been reported in the literature in individuals affected with SLC37A4-related conditions. Experimental studies and prediction algorithms are not available or were not evaluated, and the functional significance of this variant is currently unknown. In summary, the available evidence is currently insufficient to determine the role of this variant in disease. Therefore, it has been classified as a Variant of Uncertain Significance.

NM_001164277.2(SLC37A4):c.1072C>T (p.Pro358Ser)

Gene: SLC37A4 (solute carrier family 37 member 4; minus strand). Cytogenetic location: 11q23.3.
Variant type: single nucleotide variant.
Coding change: c.1072C>T on transcript NM_001164277.2 (MANE Select); coding-DNA position 1072, C replaced by T.
Protein change: p.Pro358Ser; replaces proline 358 with serine.
Molecular consequence: missense variant.
Genome position (GRCh38, 1-based): chr11:119,025,242, G>A on the plus strand (C>T on the coding strand, the complement: SLC37A4 is on the minus strand). VCF-style: chr11-119025242-G-A. GRCh37 (hg19) VCF-style: chr11-118895952-G-A.
Other names: c.1138C>T, p.Pro380Ser (NM_001164278.2); c.853C>T, p.Pro285Ser (NM_001164279.2); c.1072C>T, p.Pro358Ser (NM_001164280.2, NM_001467.6); short protein forms P285S, P380S, P358S.
Identifiers: ClinVar variation 2074546 (VCV002074546.2), dbSNP rs533783569, ClinGen allele CA6311634.